The following is an entry in ClinVar:

ClinVar aggregate classification (germline): Likely benign. Review status: criteria provided, single submitter (1 of 4 stars). 2 submissions from 2 submitters: Likely benign (1). 1 of the submissions does not count toward it. Last evaluated 2025-07-27.

Conditions:
ITGB2-related disorder. Also called: ITGB2-related condition.
Leukocyte adhesion deficiency 1 (LAD1). Also called: LAD 1; Lymphocyte function-associated antigen 1 immunodeficiency; LFA 1 immunodeficiency; LEUKOCYTE ADHESION DEFICIENCY, TYPE I. Identifiers: Orphanet 2968, Orphanet 99842, MedGen C0398738, MONDO:0007293, OMIM 116920.

gnomAD v4.1: 33 of 1,613,762 alleles (0.002%); highest among the groups gnomAD compares: Admixed American, 0.052%; no homozygotes.

Submissions (2):

Labcorp Genetics (formerly Invitae), Labcorp
Classification: Likely benign for Leukocyte adhesion deficiency 1. Last evaluated: 2025-07-27. Review status: criteria provided, single submitter. Criteria: Invitae Variant Classification Sherloc (09022015). Collection method: clinical testing. Allele origin: germline.

PreventionGenetics, part of Exact Sciences
Classification: Likely benign for ITGB2-related condition. Last evaluated: 2020-10-23. Review status: no assertion criteria provided. Collection method: clinical testing. Allele origin: germline. Not counted in ClinVar's aggregate classification.
Comment: This variant is classified as likely benign based on ACMG/AMP sequence variant interpretation guidelines (Richards et al. 2015 PMID: 25741868, with internal and published modifications).

NM_000211.5(ITGB2):c.329-5G>C

Gene: ITGB2 (integrin subunit beta 2; minus strand). Cytogenetic location: 21q22.3.
Variant type: single nucleotide variant.
Coding change: c.329-5G>C on transcript NM_000211.5 (MANE Select); 5 bases into the intron before coding-DNA position 329, G replaced by C.
Molecular consequence: intron variant.
Genome position (GRCh38, 1-based): chr21:44,903,540, C>G on the plus strand (G>C on the coding strand, the complement: ITGB2 is on the minus strand). VCF-style: chr21-44903540-C-G. GRCh37 (hg19) VCF-style: chr21-46323455-C-G.
Other names: c.329-5G>C (NM_001127491.3, NM_000211.4); c.122-5G>C (NM_001303238.2).
Identifiers: ClinVar variation 2056203 (VCV002056203.6), dbSNP rs749767460, ClinGen allele CA10063243.
Genomic context (GRCh38, chr21:44,903,540, plus strand): 5'-GTCGATGGGGTAGCCCTTGGCCCGCCGGAAGGTCACGTTGAACGCTGCTGCCTGGCCTGC[C>G]GGTGGGGACAGAACAAAAGGAGCCACACCTCACATCTCACACAGGGTGTCTGGGGGCGTG-3'